The following is an entry in ClinVar:

NM_015335.5(MED13L):c.1300T>C (p.Cys434Arg)

Gene: MED13L (mediator complex subunit 13L; minus strand). Cytogenetic location: 12q24.21.
Variant type: single nucleotide variant.
Coding change: c.1300T>C on transcript NM_015335.5 (MANE Select); coding-DNA position 1300, T replaced by C.
Protein change: p.Cys434Arg; replaces cysteine 434 with arginine.
Molecular consequence: missense variant.
Genome position (GRCh38, 1-based): chr12:116,009,113, A>G on the plus strand (T>C on the coding strand, the complement: MED13L is on the minus strand). VCF-style: chr12-116009113-A-G. GRCh37 (hg19) VCF-style: chr12-116446918-A-G.
Other names: short protein forms C434R.
Identifiers: ClinVar variation 4535082 (VCV004535082.6).

ClinVar aggregate classification (germline): Uncertain significance (1 of 4 stars; one submission).

Submission:

CeGaT Center for Human Genetics Tuebingen
Classification: Uncertain significance. Last evaluated: 2025-10-01. Review status: criteria provided, single submitter. Criteria: CeGaT Center For Human Genetics Tuebingen Variant Classification Criteria Version 2. Collection method: clinical testing. Allele origin: germline. Affected: yes. Observed: 1 variant allele.
Comment: MED13L: PM2